The following is an entry in ClinVar:

NM_000528.4(MAN2B1):c.233T>C (p.Leu78Pro)

Gene: MAN2B1 (mannosidase alpha class 2B member 1; minus strand). Cytogenetic location: 19p13.13.
Variant type: single nucleotide variant.
Coding change: c.233T>C on transcript NM_000528.4 (MANE Select); coding-DNA position 233, T replaced by C.
Protein change: p.Leu78Pro; replaces leucine 78 with proline.
Molecular consequence: missense variant.
Genome position (GRCh38, 1-based): chr19:12,665,732, A>G on the plus strand (T>C on the coding strand, the complement: MAN2B1 is on the minus strand). VCF-style: chr19-12665732-A-G. GRCh37 (hg19) VCF-style: chr19-12776546-A-G.
Other names: c.233T>C, p.Leu78Pro (NM_001173498.2); short protein forms L78P.
Identifiers: ClinVar variation 892434 (VCV000892434.7), dbSNP rs1387086908, ClinGen allele CA404258039.

ClinVar aggregate classification (germline): Uncertain significance. Review status: criteria provided, multiple submitters, no conflicts (2 of 4 stars). 3 submissions from 3 submitters: Uncertain significance (3). Last evaluated 2026-01-29.

Conditions:
Deficiency of alpha-mannosidase (MANSA). Also called: LYSOSOMAL ALPHA-D-MANNOSIDASE DEFICIENCY; Mannosidosis, alpha-, types I and II; Alpha-Mannosidosis. Identifiers: Orphanet 61, MedGen C0024748, MONDO:0009561, OMIM 248500.

Allele frequency attached by ClinVar (database versions not stated): gnomAD exomes below 0.00001.
gnomAD v4.1: 3 of 1,614,164 alleles (0.00019%); highest among the groups gnomAD compares: Non-Finnish European, 0.00025%; no homozygotes.

Submissions (3):

3billion
Classification: Uncertain significance for Deficiency of alpha-mannosidase. Last evaluated: 2026-01-29. Review status: criteria provided, single submitter. Criteria: ACMG Guidelines, 2015. Collection method: clinical testing. Allele origin: germline. Affected: yes.
Comment: The variant is observed at an extremely low frequency in the gnomAD v4.1.0 dataset (total allele frequency: <0.001%). Predicted Consequence/Location: Missense variant In silico tool predictions suggest damaging effect of the variant on gene or gene product [REVEL: 0.94 (>=0.6, sensitivity 0.68 and specificity 0.92); 3Cnet: 0.78 (> 0.75, sensitivity 0.96 and precision 0.92)]. The variant has been reported as of uncertain significance (ClinVar ID: VCV000892434). Therefore, this variant is classified as VUS according to the recommendation of ACMG/AMP guideline.

Labcorp Genetics (formerly Invitae), Labcorp
Classification: Uncertain significance for Deficiency of alpha-mannosidase. Last evaluated: 2021-10-22. Review status: criteria provided, single submitter. Criteria: Invitae Variant Classification Sherloc (09022015). Collection method: clinical testing. Allele origin: germline.
Comment: This sequence change replaces leucine with proline at codon 78 of the MAN2B1 protein (p.Leu78Pro). The leucine residue is highly conserved and there is a moderate physicochemical difference between leucine and proline. This variant is not present in population databases (ExAC no frequency). This missense change has been observed in individual(s) with alpha-mannosidosis (Invitae). ClinVar contains an entry for this variant (Variation ID: 892434). Algorithms developed to predict the effect of missense changes on protein structure and function (SIFT, PolyPhen-2, Align-GVGD) all suggest that this variant is likely to be disruptive. In summary, the available evidence is currently insufficient to determine the role of this variant in disease. Therefore, it has been classified as a Variant of Uncertain Significance.

Illumina Laboratory Services, Illumina
Classification: Uncertain significance for Deficiency of alpha-mannosidase. Last evaluated: 2018-01-12. Review status: criteria provided, single submitter. Criteria: ICSL Variant Classification Criteria 13 December 2019. Collection method: clinical testing. Allele origin: germline.